The following is an entry in ClinVar:

NM_020778.5(ALPK3):c.3733G>A (p.Gly1245Ser)

Gene: ALPK3 (alpha kinase 3; plus strand). Cytogenetic location: 15q25.3.
Variant type: single nucleotide variant.
Coding change: c.3733G>A on transcript NM_020778.5 (MANE Select); coding-DNA position 3733, G replaced by A.
Protein change: p.Gly1245Ser; replaces glycine 1245 with serine.
Molecular consequence: missense variant.
Genome position (GRCh38, 1-based): chr15:84,858,471, G>A. VCF-style: chr15-84858471-G-A. GRCh37 (hg19) VCF-style: chr15-85401702-G-A.
Other names: c.4339G>A (NM_020778.4); short protein forms G1245S.
Identifiers: ClinVar variation 1446825 (VCV001446825.8), dbSNP rs773569562, ClinGen allele CA7709707.
Genomic context (GRCh38, chr15:84,858,471, plus strand): 5'-GAGGTGCCTCGGGCAGAGGAGGAGCTGGCGGCAGGAGACCTGGGCCCCAGCCCCAAGGCC[G>A]GCGGTCTGGACACAGAGGTGGCCCTGGATGAAGGCAAGCAGGAGACACTGGCCAAGCCCA-3'
Protein context (NP_065829.4, residues 1235-1255): AGDLGPSPKA[Gly1245Ser]GLDTEVALDE

ClinVar aggregate classification (germline): Conflicting classifications of pathogenicity. Review status: criteria provided, conflicting classifications (1 of 4 stars). 2 submissions from 2 submitters: Uncertain significance (1); Likely benign (1). Last evaluated 2025-12-09.

Conditions:
Cardiovascular phenotype. Identifiers: MedGen CN230736.

Allele frequency attached by ClinVar (database versions not stated): gnomAD exomes 0.00002; ExAC 0.00003.
gnomAD v4.1: 43 of 1,572,586 alleles (0.0027%); highest among the groups gnomAD compares: Non-Finnish European, 0.0035%; no homozygotes.

Submissions (2):

Labcorp Genetics (formerly Invitae), Labcorp
Classification: Uncertain significance. Last evaluated: 2025-12-09. Review status: criteria provided, single submitter. Criteria: Invitae Variant Classification Sherloc (09022015). Collection method: clinical testing. Allele origin: germline.
Comment: This sequence change replaces glycine, which is neutral and non-polar, with serine, which is neutral and polar, at codon 1447 of the ALPK3 protein (p.Gly1447Ser). The frequency data for this variant in the population databases is considered unreliable, as metrics indicate poor data quality at this position in the gnomAD database. This variant has not been reported in the literature in individuals affected with ALPK3-related conditions. ClinVar contains an entry for this variant (Variation ID: 1446825). An algorithm developed to predict the effect of missense changes on protein structure and function outputs the following: PolyPhen-2: "Benign". The serine amino acid residue is found in multiple mammalian species, which suggests that this missense change does not adversely affect protein function. In summary, the available evidence is currently insufficient to determine the role of this variant in disease. Therefore, it has been classified as a Variant of Uncertain Significance.

Ambry Genetics
Classification: Likely benign for Cardiovascular phenotype. Last evaluated: 2025-05-24. Review status: criteria provided, single submitter. Criteria: Ambry Variant Classification Scheme 2023. Collection method: clinical testing. Allele origin: germline.